The following is an entry in ClinVar:

ClinVar aggregate classification (germline): Uncertain significance. Review status: criteria provided, multiple submitters, no conflicts (2 of 4 stars). 2 submissions from 2 submitters: Uncertain significance (2). Last evaluated 2019-05-02.

Conditions:
Pheochromocytoma. Also called: MAX-Related Hereditary Paraganglioma-Pheochromocytoma Syndrome. Identifiers: Orphanet 29072, MedGen C0031511, MONDO:0008233, OMIM 171300, HP:0002666.
Pheochromocytoma/paraganglioma syndrome 4. Also called: SDHB-Related Hereditary Paraganglioma-Pheochromocytoma Syndrome (Paragangliomas 4); CAROTID BODY TUMORS AND MULTIPLE EXTRAADRENAL PHEOCHROMOCYTOMAS; PARAGANGLIOMA, FAMILIAL MALIGNANT; PARAGANGLIOMAS, HEREDITARY EXTRAADRENAL; SDHB-Related Hereditary Paraganglioma-Pheochromocytoma Syndrome; PHEOCHROMOCYTOMA, FAMILIAL EXTRAADRENAL. Identifiers: Orphanet 29072, MedGen C1861848, MONDO:0007273, OMIM 115310.
Gastrointestinal stromal tumor. Also called: Gastrointestinal stroma tumor; Gastrointestinal stromal tumor, somatic. Identifiers: Orphanet 44890, MedGen C0238198, MeSH D046152, MONDO:0011719, OMIM 606764, HP:0100723.
Hereditary cancer-predisposing syndrome. Also called: Tumor predisposition; Hereditary neoplastic syndrome; Neoplastic Syndromes, Hereditary; Hereditary Cancer Syndrome. Identifiers: Orphanet 140162, MedGen C0027672, MeSH D009386, MONDO:0015356.

Submissions (2):

Labcorp Genetics (formerly Invitae), Labcorp
Classification: Uncertain significance for Gastrointestinal stromal tumor; Pheochromocytoma/paraganglioma syndrome 4; Pheochromocytoma. Last evaluated: 2019-05-02. Review status: criteria provided, single submitter. Criteria: Invitae Variant Classification Sherloc (09022015). Collection method: clinical testing. Allele origin: germline.
Comment: This sequence change replaces tyrosine with histidine at codon 184 of the SDHB protein (p.Tyr184His). The tyrosine residue is highly conserved and there is a moderate physicochemical difference between tyrosine and histidine. This variant is not present in population databases (ExAC no frequency). This variant has not been reported in the literature in individuals with SDHB-related conditions. ClinVar contains an entry for this variant (Variation ID: 480779). Algorithms developed to predict the effect of missense changes on protein structure and function (SIFT, PolyPhen-2, Align-GVGD) all suggest that this variant is likely to be disruptive, but these predictions have not been confirmed by published functional studies and their clinical significance is uncertain. In summary, the available evidence is currently insufficient to determine the role of this variant in disease. Therefore, it has been classified as a Variant of Uncertain Significance.

Ambry Genetics
Classification: Uncertain significance for Hereditary cancer-predisposing syndrome. Last evaluated: 2016-04-22. Review status: criteria provided, single submitter. Criteria: Ambry Variant Classification Scheme 2023. Collection method: clinical testing. Allele origin: germline.
Comment: The p.Y184H variant (also known as c.550T>C), located in coding exon 6 of the SDHB gene, results from a T to C substitution at nucleotide position 550. The tyrosine at codon 184 is replaced by histidine, an amino acid with similar properties. This variant was not reported in population based cohorts in the following databases: Database of Single Nucleotide Polymorphisms (dbSNP), NHLBI Exome Sequencing Project (ESP), and 1000 Genomes Project. In the ESP, this variant was not observed in 6503 samples (13006 alleles) with coverage at this position. To date, this alteration has been detected with an allele frequency of approximately 0.01% (greater than 10000 alleles tested) in our clinical cohort. This amino acid position is highly conserved in available vertebrate species. In addition, this alteration is predicted to be deleterious by in silico analysis. Since supporting evidence is limited at this time, the clinical significance of this alteration remains unclear.

NM_003000.3(SDHB):c.550T>C (p.Tyr184His)

Gene: SDHB (succinate dehydrogenase complex iron sulfur subunit B; minus strand). Cytogenetic location: 1p36.13.
Variant type: single nucleotide variant.
Coding change: c.550T>C on transcript NM_003000.3 (MANE Select); coding-DNA position 550, T replaced by C.
Protein change: p.Tyr184His; replaces tyrosine 184 with histidine.
Molecular consequence: missense variant.
Genome position (GRCh38, 1-based): chr1:17,024,065, A>G on the plus strand (T>C on the coding strand, the complement: SDHB is on the minus strand). VCF-style: chr1-17024065-A-G. GRCh37 (hg19) VCF-style: chr1-17350560-A-G.
Other names: short protein forms Y184H.
Identifiers: ClinVar variation 480779 (VCV000480779.12), dbSNP rs1553177442, ClinGen allele CA338271439.